The following is an entry in ClinVar:

ClinVar aggregate classification (germline): Likely pathogenic (1 of 4 stars; one submission).

Conditions:
Spermatogenic failure 43. Identifiers: MedGen C5231490, MONDO:0032898, OMIM 618751.

Submission:

Juno Genomics, Hangzhou Juno Genomics, Inc
Classification: Likely pathogenic for Spermatogenic failure 43. Review status: criteria provided, single submitter. Criteria: ACMG Guidelines, 2015. Collection method: clinical testing. Allele origin: germline.
Comment: Absent from controls (or at extremely low frequency if recessive) in Genome Aggregation Database.;Null variant in a gene where loss of function (LOF) is a known mechanism of disease.

NM_024867.4(SPEF2):c.4540del (p.Thr1515fs)

Gene: SPEF2 (sperm flagellar and cilia associated 2; plus strand). Cytogenetic location: 5p13.2.
Variant type: Deletion.
Coding change: c.4540del on transcript NM_024867.4 (MANE Select); coding-DNA position 4540, one base deleted (C; older notation c.4540delC).
Protein change: p.Thr1515fs; shifts the reading frame from threonine 1515.
Molecular consequence: frameshift variant.
Genome position (GRCh38, 1-based): chr5:35,792,432, C deleted; the last of 2 consecutive C bases (chr5:35,792,431-35,792,432); deleting either gives the same sequence. VCF-style (leftmost placement, unchanged base first): chr5-35792430-AC-A. GRCh37 (hg19) VCF-style: chr5-35792532-AC-A.
Other names: short protein forms T1515fs.
Identifiers: ClinVar variation 5019089 (VCV005019089.2).